The following is an entry in ClinVar:

ClinVar aggregate classification (germline): Uncertain significance (1 of 4 stars; one submission).

Submission:

CeGaT Center for Human Genetics Tuebingen
Classification: Uncertain significance. Last evaluated: 2026-08-01. Review status: criteria provided, single submitter. Criteria: CeGaT Center For Human Genetics Tuebingen Variant Classification Criteria Version 2. Collection method: clinical testing. Allele origin: germline. Affected: yes. Observed: 1 variant allele.
Comment: DYRK1A: PM2, PP2

NM_001347721.2(DYRK1A):c.565_566inv (p.Asn189Phe)

Gene: DYRK1A (dual specificity tyrosine phosphorylation regulated kinase 1A; plus strand). Cytogenetic location: 21q22.13.
Variant type: Inversion.
Coding change: c.565_566inv on transcript NM_001347721.2 (MANE Select).
Protein change: p.Asn189Phe; replaces asparagine 189 with phenylalanine.
Molecular consequence: missense variant.
Genome position: GRCh38 VCF-style: chr21-37486542-AA-TT. GRCh37 (hg19) VCF-style: chr21-38858844-AA-TT.
Other names: c.565_566inv, p.Asn189Phe (NM_001347722.2, NM_130436.2); c.478_479inv, p.Asn160Phe (NM_001347723.2); c.592_593inv, p.Asn198Phe (NM_001396.5, NM_101395.2, NM_130438.2); short protein forms N160F, N189F, N198F.
Identifiers: ClinVar variation 5040598 (VCV005040598.1).
Genomic context (GRCh38, chr21:37,486,542, plus strand): 5'-GATCGTGTGGAGCAAGAATGGGTTGCCATTAAAATAATAAAGAACAAGAAGGCTTTTCTG[AA>TT]TCAAGCACAGATAGAAGTGCGACTTCTTGAGCTCATGAACAAACATGACACTGAAATGAA-3'
Protein context (NP_001334650.1, residues 179-199): KIIKNKKAFL[Asn189Phe]QAQIEVRLLE